The following is an entry in ClinVar:

NM_014780.5(CUL7):c.3490C>T (p.Arg1164Trp)

Gene: CUL7 (cullin 7; minus strand). Cytogenetic location: 6p21.1.
Variant type: single nucleotide variant.
Coding change: c.3490C>T on transcript NM_014780.5 (MANE Select); coding-DNA position 3490, C replaced by T.
Protein change: p.Arg1164Trp; replaces arginine 1164 with tryptophan.
Molecular consequence: missense variant.
Genome position (GRCh38, 1-based): chr6:43,042,957, G>A on the plus strand (C>T on the coding strand, the complement: CUL7 is on the minus strand). VCF-style: chr6-43042957-G-A. GRCh37 (hg19) VCF-style: chr6-43010695-G-A.
Other names: c.3586C>T, p.Arg1196Trp (NM_001168370.2, NM_001374872.1); c.3490C>T, p.Arg1164Trp (NM_001374873.1); c.3487C>T, p.Arg1163Trp (NM_001374874.1); short protein forms R1164W, R1163W, R1196W.
Identifiers: ClinVar variation 194968 (VCV000194968.23), dbSNP rs201135654, ClinGen allele CA201459.

ClinVar aggregate classification (germline): Conflicting classifications of pathogenicity. Review status: criteria provided, conflicting classifications (1 of 4 stars). 5 submissions from 5 submitters: Uncertain significance (1); Benign (3); Likely benign (1). Last evaluated 2026-09-01.

Conditions:
3M syndrome 1. Also called: 3-M Syndrome, CUL7-Related. Identifiers: Orphanet 2616, MedGen C2678312, MONDO:0010117, OMIM 273750.

Allele frequency attached by ClinVar (database versions not stated): gnomAD exomes 0.00042 and 0.00190; 1000 Genomes Project 0.00060; 1000 Genomes Project 30x 0.00062; gnomAD 0.00101 and 0.00102; ExAC 0.00128; TOPMed 0.00142.
gnomAD v4.1: 760 of 1,614,144 alleles (0.047%); highest among the groups gnomAD compares: Admixed American, 1.2%; 11 homozygotes.

Submissions (6):

CeGaT Center for Human Genetics Tuebingen
Classification: Likely benign. Last evaluated: 2026-09-01. Review status: criteria provided, single submitter. Criteria: CeGaT Center For Human Genetics Tuebingen Variant Classification Criteria Version 2. Collection method: clinical testing. Allele origin: germline. Affected: yes. Observed: 2 variant alleles.
Comment: CUL7: BP4

Labcorp Genetics (formerly Invitae), Labcorp
Classification: Benign. Last evaluated: 2026-02-01. Review status: criteria provided, single submitter. Criteria: Invitae Variant Classification Sherloc (09022015). Collection method: clinical testing. Allele origin: germline.

Illumina Laboratory Services, Illumina
Classification: Benign for 3M syndrome 1. Last evaluated: 2018-01-13. Review status: criteria provided, single submitter. Criteria: ICSL Variant Classification Criteria 13 December 2019. Collection method: clinical testing. Allele origin: germline.
Comment: This variant was observed in the ICSL laboratory as part of a predisposition screen in an ostensibly healthy population. It had not been previously curated by ICSL or reported in the Human Gene Mutation Database (HGMD: prior to June 1st, 2018), and was therefore a candidate for classification through an automated scoring system. Utilizing variant allele frequency, disease prevalence and penetrance estimates, and inheritance mode, an automated score was calculated to assess if this variant is too frequent to cause the disease. Based on the score and internal cut-off values, a variant classified as benign is not then subjected to further curation. The score for this variant resulted in a classification of benign for this disease.

Center for Pediatric Genomic Medicine, Children's Mercy Hospital and Clinics
Classification: Uncertain significance. Last evaluated: 2017-07-26. Review status: criteria provided, single submitter. Criteria: ACMG Guidelines, 2015. Collection method: clinical testing. Allele origin: germline.

Eurofins Ntd Llc (ga)
Classification: Benign. Last evaluated: 2015-04-21. Review status: criteria provided, single submitter. Criteria: EGL Classification Definitions 2015. Collection method: clinical testing. Allele origin: germline. Observed: 1 variant allele, 1 heterozygote.

Dr. Peter K. Rogan Lab, Western University
No classification provided (evidence only). Condition: Cervical cancer. Review status: no classification provided. Collection method: in vitro. Allele origin: not applicable. Functional consequence: retained intron. Not counted in ClinVar's aggregate classification.